The following is an entry in ClinVar:

ClinVar aggregate classification (germline): Uncertain significance (1 of 4 stars; one submission).

Conditions:
Cohen syndrome (COH1). Also called: PEPPER SYNDROME; Cutis verticis gyrata, retinitis pigmentosa, and sensorineural deafness. Identifiers: Orphanet 193, MedGen C0265223, MONDO:0008999, OMIM 216550.

gnomAD v4.1: 4 of 1,614,198 alleles (0.00025%); highest among the groups gnomAD compares: Non-Finnish European, 0.00034%; no homozygotes.

Submission:

Labcorp Genetics (formerly Invitae), Labcorp
Classification: Uncertain significance for Cohen syndrome. Last evaluated: 2022-08-09. Review status: criteria provided, single submitter. Criteria: Invitae Variant Classification Sherloc (09022015). Collection method: clinical testing. Allele origin: germline.
Comment: In summary, the available evidence is currently insufficient to determine the role of this variant in disease. Therefore, it has been classified as a Variant of Uncertain Significance. Algorithms developed to predict the effect of missense changes on protein structure and function are either unavailable or do not agree on the potential impact of this missense change (SIFT: "Not Available"; PolyPhen-2: "Possibly Damaging"; Align-GVGD: "Not Available"). ClinVar contains an entry for this variant (Variation ID: 1438146). This variant has not been reported in the literature in individuals affected with VPS13B-related conditions. This variant is not present in population databases (gnomAD no frequency). This sequence change replaces asparagine, which is neutral and polar, with lysine, which is basic and polar, at codon 20 of the VPS13B protein (p.Asn20Lys).

NM_152564.5(VPS13B):c.60C>A (p.Asn20Lys)

Gene: VPS13B (vacuolar protein sorting 13 homolog B; plus strand). Cytogenetic location: 8q22.2.
Variant type: single nucleotide variant.
Coding change: c.60C>A on transcript NM_152564.5 (MANE Select); coding-DNA position 60, C replaced by A.
Protein change: p.Asn20Lys; replaces asparagine 20 with lysine.
Molecular consequence: missense variant. On other transcripts: non-coding transcript variant (1).
Genome position (GRCh38, 1-based): chr8:99,013,848, C>A. VCF-style: chr8-99013848-C-A. GRCh37 (hg19) VCF-style: chr8-100026076-C-A.
Other names: c.60C>A, p.Asn20Lys (NM_015243.3, NM_017890.5, NM_181661.3); short protein forms N20K.
Identifiers: ClinVar variation 1438146 (VCV001438146.6), dbSNP rs2132125423, ClinGen allele CA371856158.